The following is an entry in ClinVar:

ClinVar aggregate classification (germline): Conflicting classifications of pathogenicity. Review status: criteria provided, conflicting classifications (1 of 4 stars). 2 submissions from 2 submitters: Uncertain significance (1); Likely benign (1). Last evaluated 2025-11-01.

Conditions:
Intellectual developmental disorder, X-linked 104. Also called: Intellectual disability, X-linked 104. Identifiers: MedGen C4310817, MONDO:0010509, OMIM 300983.

gnomAD v4.1: 27 of 753,033 alleles (0.0036%); highest among the groups gnomAD compares: Non-Finnish European, 0.0042%; no homozygotes.

Submissions (2):

CeGaT Center for Human Genetics Tuebingen
Classification: Likely benign. Last evaluated: 2025-11-01. Review status: criteria provided, single submitter. Criteria: CeGaT Center For Human Genetics Tuebingen Variant Classification Criteria Version 2. Collection method: clinical testing. Allele origin: germline. Affected: yes. Observed: 1 variant allele.
Comment: FRMPD4: BS2

Department of Pathology and Laboratory Medicine, Sinai Health System
Classification: Uncertain significance for Intellectual developmental disorder, X-linked 104. Last evaluated: 2022-06-01. Review status: criteria provided, single submitter. Criteria: ACMG Guidelines, 2015. Collection method: research. Allele origin: germline.

NM_001368397.1(FRMPD4):c.4858G>A (p.Val1620Ile)

Gene: FRMPD4 (FERM and PDZ domain containing 4; plus strand). Cytogenetic location: Xp22.2.
Variant type: single nucleotide variant.
Coding change: c.4858G>A on transcript NM_001368397.1 (MANE Select); coding-DNA position 4858, G replaced by A.
Protein change: p.Val1620Ile; replaces valine 1620 with isoleucine.
Molecular consequence: missense variant. On other transcripts: 3 prime UTR variant (6).
Genome position (GRCh38, 1-based): chrX:12,721,427, G>A. VCF-style: chrX-12721427-G-A. GRCh37 (hg19) VCF-style: chrX-12739546-G-A.
Other names: c.4969G>A, p.Val1657Ile (NM_001368395.3); c.4864G>A, p.Val1622Ile (NM_001368396.3); c.*894G>A (NM_001368398.3, NM_001368399.3, NM_001368400.3 and 3 more transcripts); short protein forms V1622I, V1657I, V1620I.
Identifiers: ClinVar variation 3892610 (VCV003892610.7).